The following is an entry in ClinVar:

ClinVar aggregate classification (germline): Uncertain significance (1 of 4 stars; one submission).

Submission:

Labcorp Genetics (formerly Invitae), Labcorp
Classification: Uncertain significance. Last evaluated: 2021-12-02. Review status: criteria provided, single submitter. Criteria: Invitae Variant Classification Sherloc (09022015). Collection method: clinical testing. Allele origin: germline.
Comment: In summary, the available evidence is currently insufficient to determine the role of this variant in disease. Therefore, it has been classified as a Variant of Uncertain Significance. Algorithms developed to predict the effect of missense changes on protein structure and function output the following: SIFT: "Tolerated"; PolyPhen-2: "Benign"; Align-GVGD: "Class C0". The glutamic acid amino acid residue is found in multiple mammalian species, which suggests that this missense change does not adversely affect protein function. This sequence change replaces aspartic acid, which is acidic and polar, with glutamic acid, which is acidic and polar, at codon 561 of the DLL4 protein (p.Asp561Glu). This variant is not present in population databases (gnomAD no frequency). This variant has not been reported in the literature in individuals affected with DLL4-related conditions.

NM_019074.4(DLL4):c.1683C>G (p.Asp561Glu)

Gene: DLL4 (delta like canonical Notch ligand 4; plus strand). Cytogenetic location: 15q15.1.
Variant type: single nucleotide variant.
Coding change: c.1683C>G on transcript NM_019074.4 (MANE Select); coding-DNA position 1683, C replaced by G.
Protein change: p.Asp561Glu; replaces aspartic acid 561 with glutamic acid.
Molecular consequence: missense variant.
Genome position (GRCh38, 1-based): chr15:40,936,670, C>G. VCF-style: chr15-40936670-C-G. GRCh37 (hg19) VCF-style: chr15-41228868-C-G.
Other names: short protein forms D561E.
Identifiers: ClinVar variation 1375840 (VCV001375840.6), dbSNP rs1485634385, ClinGen allele CA391781780.